The following is an entry in ClinVar:

NM_001018115.3(FANCD2):c.2803A>C (p.Ile935Leu)

Genes: FANCD2 (FA complementation group D2; plus strand), LOC107303338 (3p25 FANCD2 Alu-mediated recombination region; plus strand). Cytogenetic location: 3p25.3.
Variant type: single nucleotide variant.
Coding change: c.2803A>C on transcript NM_001018115.3 (MANE Select); coding-DNA position 2803, A replaced by C.
Protein change: p.Ile935Leu; replaces isoleucine 935 with leucine.
Molecular consequence: missense variant.
Genome position (GRCh38, 1-based): chr3:10,074,617, A>C. VCF-style: chr3-10074617-A-C. GRCh37 (hg19) VCF-style: chr3-10116301-A-C.
Other names: c.2803A>C, p.Ile935Leu (NM_001319984.2, NM_001374254.1, NM_033084.6); c.2692A>C, p.Ile898Leu (NM_001374253.1); short protein forms I935L, I898L.
Identifiers: ClinVar variation 407784 (VCV000407784.61), dbSNP rs61751578, ClinGen allele CA2250191.

ClinVar aggregate classification (germline): Uncertain significance. Review status: criteria provided, multiple submitters, no conflicts (2 of 4 stars). 9 submissions from 9 submitters: Uncertain significance (9). Last evaluated 2025-05-05.

Conditions:
Fanconi anemia (FA). Also called: Fanconi's anemia. Identifiers: Orphanet 84, MedGen C0015625, MeSH D005199, MONDO:0019391.
Fanconi anemia complementation group D2. Also called: FANCD2-Related Fanconi Anemia; FANCONI PANCYTOPENIA, TYPE 4; FANCONI ANEMIA, COMPLEMENTATION GROUP D. Identifiers: Orphanet 84, MedGen C3160738, MONDO:0009214, OMIM 227646.

Allele frequency attached by ClinVar (database versions not stated): ESP Exome Variant Server 0.00008; TOPMed 0.00019; gnomAD 0.00027 and 0.00029.
gnomAD v4.1: 379 of 1,613,650 alleles (0.023%); highest among the groups gnomAD compares: Non-Finnish European, 0.03%; no homozygotes.

Submissions (9):

GeneDx
Classification: Uncertain significance. Last evaluated: 2025-05-05. Review status: criteria provided, single submitter. Criteria: GeneDx Variant Classification Process June 2021. Collection method: clinical testing. Allele origin: germline. Affected: yes.
Comment: In silico analysis suggests that this missense variant does not alter protein structure/function; Has not been previously reported as a pathogenic or benign germline variant to our knowledge; This variant is associated with the following publications: (PMID: 25862857)

Blueprint Genetics
Classification: Uncertain significance. Last evaluated: 2024-11-22. Review status: criteria provided, single submitter. Criteria: ACMG Guidelines, 2015. Collection method: clinical testing. Allele origin: germline.

Fulgent Genetics
Classification: Uncertain significance for Fanconi anemia complementation group D2. Last evaluated: 2024-02-06. Review status: criteria provided, single submitter. Criteria: ACMG Guidelines, 2015. Collection method: clinical testing. Allele origin: germline.

Labcorp Genetics (formerly Invitae), Labcorp
Classification: Uncertain significance for Fanconi anemia. Last evaluated: 2022-10-12. Review status: criteria provided, single submitter. Criteria: Invitae Variant Classification Sherloc (09022015). Collection method: clinical testing. Allele origin: germline.
Comment: This sequence change replaces isoleucine, which is neutral and non-polar, with leucine, which is neutral and non-polar, at codon 935 of the FANCD2 protein (p.Ile935Leu). This variant is present in population databases (rs61751578, gnomAD 0.05%). This variant has not been reported in the literature in individuals affected with FANCD2-related conditions. ClinVar contains an entry for this variant (Variation ID: 407784). Advanced modeling of protein sequence and biophysical properties (such as structural, functional, and spatial information, amino acid conservation, physicochemical variation, residue mobility, and thermodynamic stability) performed at Invitae indicates that this missense variant is not expected to disrupt FANCD2 protein function. In summary, the available evidence is currently insufficient to determine the role of this variant in disease. Therefore, it has been classified as a Variant of Uncertain Significance.

Institute for Clinical Genetics, University Hospital TU Dresden, University Hospital TU Dresden
Classification: Uncertain significance. Last evaluated: 2021-11-03. Review status: criteria provided, single submitter. Criteria: ACMG Guidelines, 2015. Collection method: clinical testing. Allele origin: germline.

Genetic Services Laboratory, University of Chicago
Classification: Uncertain significance. Last evaluated: 2021-10-26. Review status: criteria provided, single submitter. Criteria: ACMG Guidelines, 2015. Collection method: clinical testing. Allele origin: germline. Affected: no.
Comment: DNA sequence analysis of the FANCD2 gene demonstrated a sequence change, c.2803A>C, in exon 29 that results in an amino acid change, p.Ile935Leu. This sequence change does not appear to have been previously described in individuals with FANCD2-related disorders and has been described in the gnomAD database with a frequency of 0.046% in the European sub-population (dbSNP rs61751578). The p.Ile935Leu change affects a moderately conserved amino acid residue located in a domain of the FANCD2 protein that is not known to be functional. The p.Ile935Leu substitution appears to be benign using several in-silico pathogenicity prediction tools (SIFT, PolyPhen2, Align GVGD, REVEL). Due to these contrasting evidences and the lack of functional studies, the clinical significance of the p.Ile935Leu change remains unknown at this time.

Baylor Genetics
Classification: Uncertain significance for Fanconi anemia complementation group D2. Last evaluated: 2020-12-01. Review status: criteria provided, single submitter. Criteria: ACMG Guidelines, 2015. Collection method: clinical testing. Allele origin: unknown. Affected: yes. Study: CSER-TexasKidsCanSeq.
Comment: This variant was determined to be of uncertain significance according to ACMG Guidelines, 2015 [PMID:25741868].

CeGaT Center for Human Genetics Tuebingen
Classification: Uncertain significance. Last evaluated: 2017-06-01. Review status: criteria provided, single submitter. Criteria: CeGaT Center For Human Genetics Tuebingen Variant Classification Criteria Version 2. Collection method: clinical testing. Allele origin: germline. Affected: yes. Observed: 1 variant allele.

Illumina Laboratory Services, Illumina
Classification: Uncertain significance for Fanconi anemia complementation group D2. Last evaluated: 2017-04-27. Review status: criteria provided, single submitter. Criteria: ICSL Variant Classification Criteria 13 December 2019. Collection method: clinical testing. Allele origin: germline.